The following is an entry in ClinVar:

ClinVar aggregate classification (germline): Uncertain significance (1 of 4 stars; one submission).

Conditions:
Citrullinemia. Identifiers: Orphanet 187, MedGen C0175683, MONDO:0015991.

Submission:

Labcorp Genetics (formerly Invitae), Labcorp
Classification: Uncertain significance for Citrullinemia. Last evaluated: 2022-07-30. Review status: criteria provided, single submitter. Criteria: Invitae Variant Classification Sherloc (09022015). Collection method: clinical testing. Allele origin: germline.
Comment: This sequence change replaces isoleucine, which is neutral and non-polar, with methionine, which is neutral and non-polar, at codon 77 of the ASS1 protein (p.Ile77Met). This variant is not present in population databases (gnomAD no frequency). This variant has not been reported in the literature in individuals affected with ASS1-related conditions. Algorithms developed to predict the effect of missense changes on protein structure and function are either unavailable or do not agree on the potential impact of this missense change (SIFT: "Deleterious"; PolyPhen-2: "Possibly Damaging"; Align-GVGD: "Class C0"). In summary, the available evidence is currently insufficient to determine the role of this variant in disease. Therefore, it has been classified as a Variant of Uncertain Significance.

NM_054012.4(ASS1):c.231C>G (p.Ile77Met)

Gene: ASS1 (argininosuccinate synthase 1; plus strand). Cytogenetic location: 9q34.11.
Variant type: single nucleotide variant.
Coding change: c.231C>G on transcript NM_054012.4 (MANE Select); coding-DNA position 231, C replaced by G.
Protein change: p.Ile77Met; replaces isoleucine 77 with methionine.
Molecular consequence: missense variant.
Genome position (GRCh38, 1-based): chr9:130,458,457, C>G. VCF-style: chr9-130458457-C-G. GRCh37 (hg19) VCF-style: chr9-133333844-C-G.
Other names: c.231C>G, p.Ile77Met (NM_000050.4); short protein forms I77M.
Identifiers: ClinVar variation 1915729 (VCV001915729.2), dbSNP rs2490531301, ClinGen allele CA375225039.